The following is an entry in ClinVar:

NM_001113378.2(FANCI):c.1087A>T (p.Met363Leu)

Gene: FANCI (FA complementation group I; plus strand). Cytogenetic location: 15q26.1.
Variant type: single nucleotide variant.
Coding change: c.1087A>T on transcript NM_001113378.2 (MANE Select); coding-DNA position 1087, A replaced by T.
Protein change: p.Met363Leu; replaces methionine 363 with leucine.
Molecular consequence: missense variant.
Genome position (GRCh38, 1-based): chr15:89,274,279, A>T. VCF-style: chr15-89274279-A-T. GRCh37 (hg19) VCF-style: chr15-89817510-A-T.
Other names: c.808A>T, p.Met270Leu (NM_001376910.1); c.1087A>T, p.Met363Leu (NM_001376911.1, NM_018193.3); short protein forms M363L, M270L.
Identifiers: ClinVar variation 3632379 (VCV003632379.2).

ClinVar aggregate classification (germline): Uncertain significance (1 of 4 stars; one submission).

Conditions:
Fanconi anemia (FA). Also called: Fanconi's anemia. Identifiers: Orphanet 84, MedGen C0015625, MeSH D005199, MONDO:0019391.

gnomAD v4.1: 3 of 1,613,646 alleles (0.00019%); highest among the groups gnomAD compares: Non-Finnish European, 0.000085%; no homozygotes.

Submission:

Labcorp Genetics (formerly Invitae), Labcorp
Classification: Uncertain significance for Fanconi anemia. Last evaluated: 2024-03-04. Review status: criteria provided, single submitter. Criteria: Invitae Variant Classification Sherloc (09022015). Collection method: clinical testing. Allele origin: germline.
Comment: This sequence change replaces methionine, which is neutral and non-polar, with leucine, which is neutral and non-polar, at codon 363 of the FANCI protein (p.Met363Leu). The frequency data for this variant in the population databases is considered unreliable, as metrics indicate poor data quality at this position in the gnomAD database. This variant has not been reported in the literature in individuals affected with FANCI-related conditions. Advanced modeling of protein sequence and biophysical properties (such as structural, functional, and spatial information, amino acid conservation, physicochemical variation, residue mobility, and thermodynamic stability) performed at Invitae indicates that this missense variant is not expected to disrupt FANCI protein function with a negative predictive value of 80%. In summary, the available evidence is currently insufficient to determine the role of this variant in disease. Therefore, it has been classified as a Variant of Uncertain Significance.